The following is an entry in ClinVar:

ClinVar aggregate classification (germline): Uncertain significance (1 of 4 stars; one submission).

Submission:

GeneDx
Classification: Uncertain significance. Last evaluated: 2024-04-22. Review status: criteria provided, single submitter. Criteria: GeneDx Variant Classification Process June 2021. Collection method: clinical testing. Allele origin: germline. Affected: yes.
Comment: Not observed at significant frequency in large population cohorts (gnomAD); In silico analysis supports that this missense variant has a deleterious effect on protein structure/function; Has not been previously published as pathogenic or benign to our knowledge

NM_005157.6(ABL1):c.455G>A (p.Arg152His)

Gene: ABL1 (ABL proto-oncogene 1, non-receptor tyrosine kinase; plus strand). Cytogenetic location: 9q34.12.
Variant type: single nucleotide variant.
Coding change: c.455G>A on transcript NM_005157.6 (MANE Select); coding-DNA position 455, G replaced by A.
Protein change: p.Arg152His; replaces arginine 152 with histidine.
Molecular consequence: missense variant.
Genome position (GRCh38, 1-based): chr9:130,855,002, G>A. VCF-style: chr9-130855002-G-A. GRCh37 (hg19) VCF-style: chr9-133730389-G-A.
Other names: c.512G>A, p.Arg171His (NM_007313.3); short protein forms R152H, R171H.
Identifiers: ClinVar variation 3372834 (VCV003372834.1).